The following is an entry in ClinVar:

ClinVar aggregate classification (germline): Uncertain significance (1 of 4 stars; one submission).

Submission:

Labcorp Genetics (formerly Invitae), Labcorp
Classification: Uncertain significance. Last evaluated: 2024-04-29. Review status: criteria provided, single submitter. Criteria: Invitae Variant Classification Sherloc (09022015). Collection method: clinical testing. Allele origin: germline.
Comment: This sequence change replaces serine, which is neutral and polar, with tryptophan, which is neutral and slightly polar, at codon 30 of the ETV6 protein (p.Ser30Trp). This variant is not present in population databases (gnomAD no frequency). This variant has not been reported in the literature in individuals affected with ETV6-related conditions. Advanced modeling of protein sequence and biophysical properties (such as structural, functional, and spatial information, amino acid conservation, physicochemical variation, residue mobility, and thermodynamic stability) has been performed at Invitae for this missense variant, however the output from this modeling did not meet the statistical confidence thresholds required to predict the impact of this variant on ETV6 protein function. In summary, the available evidence is currently insufficient to determine the role of this variant in disease. Therefore, it has been classified as a Variant of Uncertain Significance.

NM_001987.5(ETV6):c.89C>G (p.Ser30Trp)

Gene: ETV6 (ETS variant transcription factor 6; plus strand). Cytogenetic location: 12p13.2.
Variant type: single nucleotide variant.
Coding change: c.89C>G on transcript NM_001987.5 (MANE Select); coding-DNA position 89, C replaced by G.
Protein change: p.Ser30Trp; replaces serine 30 with tryptophan.
Molecular consequence: missense variant. On other transcripts: intron variant (1).
Genome position (GRCh38, 1-based): chr12:11,752,505, C>G. VCF-style: chr12-11752505-C-G. GRCh37 (hg19) VCF-style: chr12-11905439-C-G.
Other names: c.86C>G, p.Ser29Trp (NM_001413913.1); c.62C>G, p.Ser21Trp (NM_001413914.1); c.89C>G, p.Ser30Trp (NM_001413916.1, NM_001413917.1, NM_001413918.1); c.-101-86635C>G (NM_001413915.1); short protein forms S29W, S30W, S21W.
Identifiers: ClinVar variation 3669568 (VCV003669568.2).